The following is an entry in ClinVar:

NM_018908.3(PCDHA5):c.2352+33784T>C

Genes: PCDHA1 (protocadherin alpha 1; plus strand), PCDHA10 (protocadherin alpha 10; plus strand), PCDHA2 (protocadherin alpha 2; plus strand), PCDHA3 (protocadherin alpha 3; plus strand), PCDHA4 (protocadherin alpha 4; plus strand) and 6 more. Cytogenetic location: 5q31.3.
Variant type: single nucleotide variant.
Coding change: c.2352+33784T>C on transcript NM_018908.3 (MANE Select); 33784 bases into the intron after coding-DNA position 2352, T replaced by C.
Molecular consequence: intron variant. On other transcripts: synonymous variant (2).
Genome position (GRCh38, 1-based): chr5:140,857,911, T>C. VCF-style: chr5-140857911-T-C. GRCh37 (hg19) VCF-style: chr5-140237496-T-C.
Other names: c.1863T>C, p.Phe621= (NM_018901.4, NM_031859.3); c.2394+69227T>C (NM_018900.4); c.1602+70019T>C (NM_031411.3); c.2388+60559T>C (NM_018905.3); c.2394+54320T>C (NM_018906.3); c.2385+48339T>C (NM_018907.4); c.2394+27426T>C (NM_018909.4); c.1602+28218T>C (NM_031849.3); and 4 more.
Identifiers: ClinVar variation 2655782 (VCV002655782.24), dbSNP rs144216608, ClinGen allele CA3451321.

ClinVar aggregate classification (germline): Likely benign (1 of 4 stars; one submission).

Allele frequency attached by ClinVar (database versions not stated): ESP Exome Variant Server 0.00207; 1000 Genomes Project 0.00240; gnomAD exomes 0.00251; 1000 Genomes Project 30x 0.00281; ExAC 0.00309; gnomAD 0.00397.
gnomAD v4.1: 4,248 of 1,597,856 alleles (0.27%); highest among the groups gnomAD compares: Middle Eastern, 1%; 342 homozygotes.

Submission:

CeGaT Center for Human Genetics Tuebingen
Classification: Likely benign. Last evaluated: 2026-03-01. Review status: criteria provided, single submitter. Criteria: CeGaT Center For Human Genetics Tuebingen Variant Classification Criteria Version 2. Collection method: clinical testing. Allele origin: germline. Affected: yes. Observed: 6 variant alleles.
Comment: PCDHA2: BS2; PCDHA3: BS2; PCDHA5: BS2; PCDHA6: BS2; PCDHA7: BS2; PCDHA8: BS2; PCDHA9: BS2